The following is an entry in ClinVar:

NM_198428.3(BBS9):c.1966C>T (p.Arg656Trp)

Gene: BBS9 (Bardet-Biedl syndrome 9; plus strand). Cytogenetic location: 7p14.3.
Variant type: single nucleotide variant.
Coding change: c.1966C>T on transcript NM_198428.3 (MANE Select); coding-DNA position 1966, C replaced by T.
Protein change: p.Arg656Trp; replaces arginine 656 with tryptophan.
Molecular consequence: missense variant. On other transcripts: non-coding transcript variant (3).
Genome position (GRCh38, 1-based): chr7:33,387,995, C>T. VCF-style: chr7-33387995-C-T. GRCh37 (hg19) VCF-style: chr7-33427607-C-T.
Other names: c.1861C>T, p.Arg621Trp (NM_001033604.2); c.1951C>T, p.Arg651Trp (NM_001033605.2); c.1966C>T, p.Arg656Trp (NM_001348036.1, NM_001348041.4, NM_001348043.3 and 3 more transcripts); c.1600C>T, p.Arg534Trp (NM_001348037.3, NM_001348045.3, NM_001348046.3); c.1693C>T, p.Arg565Trp (NM_001348038.3); c.1588C>T, p.Arg530Trp (NM_001348039.3); c.1846C>T, p.Arg616Trp (NM_001348040.3, NM_014451.4); c.1831C>T, p.Arg611Trp (NM_001348042.3); and 2 more; short protein forms R616W, R656W, R534W, R611W, R530W, R621W, R651W, R499W.
Identifiers: ClinVar variation 2170236 (VCV002170236.4), dbSNP rs762045410, ClinGen allele CA4214569.
Genomic context (GRCh38, chr7:33,387,995, plus strand): 5'-CTTTAAAGATGTTTTTTGTGTCCATTTAATCTCAATTTAAGAAATTATTCATTGCAGCTA[C>T]GGATAAATGGTGAAAAATTAGAAGAACTCTTATCTGAGAGAGCTGTACAATTTCGGGCCA-3'
Protein context (NP_940820.1, residues 646-666): FELIDHHFEL[Arg656Trp]INGEKLEELL

ClinVar aggregate classification (germline): Uncertain significance. Review status: criteria provided, multiple submitters, no conflicts (2 of 4 stars). 4 submissions from 4 submitters: Uncertain significance (4). Last evaluated 2025-12-15.

Conditions:
Bardet-Biedl syndrome (BBS). Identifiers: Orphanet 110, MedGen C0752166, MONDO:0015229.
BBS9-related ciliopathy. Identifiers: MedGen CN375911, MONDO:0700236.
Inborn genetic diseases. Identifiers: MedGen C0950123, MeSH D030342.
Bardet-Biedl syndrome 9 (BBS9). Identifiers: Orphanet 110, MedGen C1859567, MONDO:0014437, OMIM 615986.

Allele frequency attached by ClinVar (database versions not stated): gnomAD exomes 0.00001; TOPMed 0.00001; ExAC 0.00002; gnomAD 0.00002.
gnomAD v4.1: 22 of 1,613,760 alleles (0.0014%); highest among the groups gnomAD compares: East Asian, 0.013%; no homozygotes.

Submissions (4):

Ambry Genetics
Classification: Uncertain significance for Inborn genetic diseases. Last evaluated: 2025-12-15. Review status: criteria provided, single submitter. Criteria: Ambry Variant Classification Scheme 2023. Collection method: clinical testing. Allele origin: germline.

Fulgent Genetics
Classification: Uncertain significance for Bardet-Biedl syndrome 9. Last evaluated: 2024-03-25. Review status: criteria provided, single submitter. Criteria: ACMG Guidelines, 2015. Collection method: clinical testing. Allele origin: germline.

Labcorp Genetics (formerly Invitae), Labcorp
Classification: Uncertain significance for Bardet-Biedl syndrome. Last evaluated: 2022-06-11. Review status: criteria provided, single submitter. Criteria: Invitae Variant Classification Sherloc (09022015). Collection method: clinical testing. Allele origin: germline.
Comment: This sequence change replaces arginine, which is basic and polar, with tryptophan, which is neutral and slightly polar, at codon 656 of the BBS9 protein (p.Arg656Trp). This variant is present in population databases (rs762045410, gnomAD 0.006%). This variant has not been reported in the literature in individuals affected with BBS9-related conditions. Algorithms developed to predict the effect of missense changes on protein structure and function are either unavailable or do not agree on the potential impact of this missense change (SIFT: "Deleterious"; PolyPhen-2: "Probably Damaging"; Align-GVGD: "Class C0"). In summary, the available evidence is currently insufficient to determine the role of this variant in disease. Therefore, it has been classified as a Variant of Uncertain Significance.

Department of Pathology and Laboratory Medicine, Sinai Health System
Classification: Uncertain significance for BBS9-related ciliopathy. Last evaluated: 2020-05-30. Review status: criteria provided, single submitter. Criteria: ACMG Guidelines, 2015. Collection method: research. Allele origin: germline.